The following is an entry in ClinVar:

ClinVar aggregate classification (germline): Conflicting classifications of pathogenicity. Review status: criteria provided, conflicting classifications (1 of 4 stars). 4 submissions from 4 submitters: Uncertain significance (1); Likely benign (3). Last evaluated 2025-11-01.

Conditions:
Early-infantile DEE. Also called: Ohtahara syndrome; Early infantile epileptic encephalopathy with suppression bursts; Early infantile epileptic encephalopathy. Identifiers: Orphanet 1934, MedGen C0393706, MONDO:0800491.
Inborn genetic diseases. Identifiers: MedGen C0950123, MeSH D030342.

Allele frequency attached by ClinVar (database versions not stated): gnomAD 0.00001; gnomAD exomes 0.00001; TOPMed 0.00002.
gnomAD v4.1: 9 of 1,606,540 alleles (0.00056%); highest among the groups gnomAD compares: South Asian, 0.0077%; no homozygotes.

Submissions (4):

CeGaT Center for Human Genetics Tuebingen
Classification: Likely benign. Last evaluated: 2025-11-01. Review status: criteria provided, single submitter. Criteria: CeGaT Center For Human Genetics Tuebingen Variant Classification Criteria Version 2. Collection method: clinical testing. Allele origin: germline. Affected: yes. Observed: 1 variant allele.
Comment: SCN1A: BP4, BP7

Labcorp Genetics (formerly Invitae), Labcorp
Classification: Likely benign for Early-infantile DEE. Last evaluated: 2025-04-15. Review status: criteria provided, single submitter. Criteria: Invitae Variant Classification Sherloc (09022015). Collection method: clinical testing. Allele origin: germline.

Revvity Omics, Revvity
Classification: Uncertain significance. Last evaluated: 2021-06-17. Review status: criteria provided, single submitter. Criteria: ACMG Guidelines, 2015. Collection method: clinical testing. Allele origin: germline.

Ambry Genetics
Classification: Likely benign for Inborn genetic diseases. Last evaluated: 2018-08-13. Review status: criteria provided, single submitter. Criteria: Ambry Variant Classification Scheme 2023. Collection method: clinical testing. Allele origin: germline.

NM_001165963.4(SCN1A):c.4848T>C (p.Ile1616=)

Genes: SCN1A (sodium voltage-gated channel alpha subunit 1; minus strand), LOC102724058 (uncharacterized LOC102724058; plus strand). Cytogenetic location: 2q24.3.
Variant type: single nucleotide variant.
Coding change: c.4848T>C on transcript NM_001165963.4 (MANE Select); coding-DNA position 4848, T replaced by C.
Protein change: p.Ile1616=; no amino-acid change (isoleucine 1616 retained).
Molecular consequence: synonymous variant. On other transcripts: non-coding transcript variant (1).
Genome position (GRCh38, 1-based): chr2:165,994,150, A>G on the plus strand (T>C on the coding strand, the complement: SCN1A is on the minus strand). VCF-style: chr2-165994150-A-G. GRCh37 (hg19) VCF-style: chr2-166850660-A-G.
Other names: c.4764T>C, p.Ile1588= (NM_001165964.3, NM_001353957.2, NM_001353958.2); c.4848T>C, p.Ile1616= (NM_001202435.3, NM_001353948.2); c.4815T>C, p.Ile1605= (NM_001353949.2, NM_001353950.2, NM_001353951.2 and 2 more transcripts); c.4812T>C, p.Ile1604= (NM_001353954.2, NM_001353955.2); c.4761T>C, p.Ile1587= (NM_001353960.2); c.2406T>C, p.Ile802= (NM_001353961.2); c.4848T>C (NM_001165963.3).
Identifiers: ClinVar variation 1551191 (VCV001551191.19), dbSNP rs1379533666, ClinGen allele CA429902743.